The following is an entry in ClinVar:

NM_005633.4(SOS1):c.3770C>T (p.Thr1257Ile)

Gene: SOS1 (SOS Ras/Rac guanine nucleotide exchange factor 1; minus strand). Cytogenetic location: 2p22.1.
Variant type: single nucleotide variant.
Coding change: c.3770C>T on transcript NM_005633.4 (MANE Select); coding-DNA position 3770, C replaced by T.
Protein change: p.Thr1257Ile; replaces threonine 1257 with isoleucine.
Molecular consequence: missense variant.
Genome position (GRCh38, 1-based): chr2:38,986,056, G>A on the plus strand (C>T on the coding strand, the complement: SOS1 is on the minus strand). VCF-style: chr2-38986056-G-A. GRCh37 (hg19) VCF-style: chr2-39213197-G-A.
Other names: c.3749C>T, p.Thr1250Ile (NM_001382394.1); c.3725C>T, p.Thr1242Ile (NM_001382395.1); short protein forms T1242I, T1250I, T1257I.
Identifiers: ClinVar variation 1306691 (VCV001306691.10), dbSNP rs962478091, ClinGen allele CA45674045.

ClinVar aggregate classification (germline): Conflicting classifications of pathogenicity. Review status: criteria provided, conflicting classifications (1 of 4 stars). 4 submissions from 4 submitters: Uncertain significance (3); Likely benign (1). Last evaluated 2026-10-08.

Conditions:
Cardiovascular phenotype. Identifiers: MedGen CN230736.
RASopathy. Also called: rasopathies; Noonan spectrum disorder. Identifiers: Orphanet 536391, MedGen C5555857, MONDO:0021060.

Allele frequency attached by ClinVar (database versions not stated): TOPMed 0.00002.
gnomAD v4.1: 6 of 1,613,962 alleles (0.00037%); highest among the groups gnomAD compares: East Asian, 0.0067%; no homozygotes.

Submissions (4):

GeneDx
Classification: Uncertain significance. Last evaluated: 2026-10-08. Review status: criteria provided, single submitter. Criteria: GeneDx Variant Classification Process June 2021. Collection method: clinical testing. Allele origin: germline.
Comment: Previously reported as a variant of uncertain significance in one patient with dilated cardiomyopathy and in another patient with multiple lentigines and facial features suggestive of a RASopathy (PMID: 29386531, 42072833); Not observed at significant frequency in large population cohorts (gnomAD); Missense variants in this gene are a common cause of disease and they are underrepresented in the general population; In silico analysis suggests that this missense variant does not alter protein structure/function; This variant is associated with the following publications: (PMID: 23602711, 29493581, 29386531, 42072833)

Labcorp Genetics (formerly Invitae), Labcorp
Classification: Uncertain significance for RASopathy. Last evaluated: 2025-11-18. Review status: criteria provided, single submitter. Criteria: Invitae Variant Classification Sherloc (09022015). Collection method: clinical testing. Allele origin: germline.
Comment: This sequence change replaces threonine, which is neutral and polar, with isoleucine, which is neutral and non-polar, at codon 1257 of the SOS1 protein (p.Thr1257Ile). This variant is not present in population databases (gnomAD no frequency). This variant has not been reported in the literature in individuals affected with SOS1-related conditions. ClinVar contains an entry for this variant (Variation ID: 1306691). Invitae Evidence Modeling of protein sequence and biophysical properties (such as structural, functional, and spatial information, amino acid conservation, physicochemical variation, residue mobility, and thermodynamic stability) indicates that this missense variant is not expected to disrupt SOS1 protein function with a negative predictive value of 95%. In summary, the available evidence is currently insufficient to determine the role of this variant in disease. Therefore, it has been classified as a Variant of Uncertain Significance.

Blueprint Genetics
Classification: Uncertain significance. Last evaluated: 2023-12-21. Review status: criteria provided, single submitter. Criteria: ACMG Guidelines, 2015. Collection method: clinical testing. Allele origin: germline.

Ambry Genetics
Classification: Likely benign for Cardiovascular phenotype. Last evaluated: 2019-06-25. Review status: criteria provided, single submitter. Criteria: Ambry Variant Classification Scheme 2023. Collection method: clinical testing. Allele origin: germline.

Literature cited by the submitters: PubMed 23602711 (cited by Ambry Genetics).